The following is an entry in ClinVar:

ClinVar aggregate classification (germline): Pathogenic (1 of 4 stars; one submission).

Submission:

GeneDx
Classification: Pathogenic. Last evaluated: 2025-01-03. Review status: criteria provided, single submitter. Criteria: GeneDx Variant Classification Process June 2021. Collection method: clinical testing. Allele origin: germline. Affected: yes.
Comment: Nonsense variant predicted to result in protein truncation or nonsense mediated decay in a gene for which loss-of-function is a known mechanism of disease; Not observed in large population cohorts (gnomAD); Has not been previously published as pathogenic or benign to our knowledge

NM_003106.4(SOX2):c.282dup (p.Lys95Ter)

Genes: SOX2-OT (SOX2 overlapping transcript; plus strand), SOX2 (SRY-box transcription factor 2; plus strand), LOC108281177 (SOX2 5' regulatory region; plus strand). Cytogenetic location: 3q26.33.
Variant type: Duplication.
Coding change: c.282dup on transcript NM_003106.4 (MANE Select); coding-DNA position 282, one base duplicated (T; older notation c.282dupT).
Protein change: p.Lys95Ter; replaces lysine 95 with a stop codon.
Molecular consequence: nonsense.
Genome position (GRCh38, 1-based): chr3:181,712,642, T duplicated. VCF-style (leftmost placement, unchanged base first): chr3-181712641-C-CT. GRCh37 (hg19) VCF-style: chr3-181430429-C-CT.
Other names: c.282dupT (NM_003106.3); short protein forms K95*.
Identifiers: ClinVar variation 426163 (VCV000426163.4), dbSNP rs1085307481, ClinGen allele CA645294031.
Genomic context (GRCh38, chr3:181,712,641, plus strand): 5'-GCCTGGGCGCCGAGTGGAAACTTTTGTCGGAGACGGAGAAGCGGCCGTTCATCGACGAGG[C>CT]TAAGCGGCTGCGAGCGCTGCACATGAAGGAGCACCCGGATTATAAATACCGGCCCCGGCG-3'